The following is an entry in ClinVar:

NM_000132.4(F8):c.241G>A (p.Ala81Thr)

Gene: F8 (coagulation factor VIII; minus strand). Cytogenetic location: Xq28.
Variant type: single nucleotide variant.
Coding change: c.241G>A on transcript NM_000132.4 (MANE Select); coding-DNA position 241, G replaced by A.
Protein change: p.Ala81Thr; replaces alanine 81 with threonine.
Molecular consequence: missense variant.
Genome position (GRCh38, 1-based): chrX:154,999,503, C>T on the plus strand (G>A on the coding strand, the complement: F8 is on the minus strand). VCF-style: chrX-154999503-C-T. GRCh37 (hg19) VCF-style: chrX-154227778-C-T.
Other names: c.241G>A (NM_000132.3); short protein forms A81T.
Identifiers: ClinVar variation 2503884 (VCV002503884.1), dbSNP rs1210085395, ClinGen allele CA414920196.
Genomic context (GRCh38, chrX:154,999,503, plus strand): 5'-AATTTCATAAATAGCATTCAACATTGTTTTCATTACCCATCCAGGGTGGCCTTGGCTTAG[C>T]GATGTTGAAAAGGTGATCCGTGAATTCTACAAACAGAGTCTTTTTGTACACGACTGAGGT-3'
Protein context (NP_000123.1, residues 71-91): VEFTDHLFNI[Ala81Thr]KPRPPWMGLL

ClinVar aggregate classification (germline): Uncertain significance (1 of 4 stars; one submission).

Allele frequency attached by ClinVar (database versions not stated): gnomAD 0.00002.
gnomAD v4.1: 34 of 1,205,389 alleles (0.0028%); highest among the groups gnomAD compares: African/African-American, 0.007%; no homozygotes.

Submission:

Women's Health and Genetics/Laboratory Corporation of America, LabCorp
Classification: Uncertain significance. Last evaluated: 2023-04-27. Review status: criteria provided, single submitter. Criteria: LabCorp Variant Classification Summary - May 2015. Collection method: clinical testing. Allele origin: germline.
Comment: Variant summary: F8 c.241G>A (p.Ala81Thr) results in a non-conservative amino acid change in the encoded protein sequence. Three of five in-silico tools predict a damaging effect of the variant on protein function. The variant allele was found at a frequency of 1.1e-05 in 183466 control chromosomes, including 2 hemizygotes (gnomAD v2, Exomes cohort). The available data on variant occurrences in the general population are insufficient to allow any conclusion about variant significance. To our knowledge, no occurrence of c.241G>A in individuals affected with Factor VIII Deficiency (Hemophilia A) and no experimental evidence demonstrating its impact on protein function have been reported. No clinical diagnostic laboratories have submitted clinical-significance assessments for this variant to ClinVar after 2014. Based on the evidence outlined above, the variant was classified as uncertain significance.